The following is an entry in ClinVar:

NM_000038.6(APC):c.4627A>G (p.Lys1543Glu)

Gene: APC (APC regulator of Wnt signaling pathway; plus strand). Cytogenetic location: 5q22.2.
Variant type: single nucleotide variant.
Coding change: c.4627A>G on transcript NM_000038.6 (MANE Select); coding-DNA position 4627, A replaced by G.
Protein change: p.Lys1543Glu; replaces lysine 1543 with glutamic acid.
Molecular consequence: missense variant.
Genome position (GRCh38, 1-based): chr5:112,840,221, A>G. VCF-style: chr5-112840221-A-G. GRCh37 (hg19) VCF-style: chr5-112175918-A-G.
Other names: c.4627A>G, p.Lys1543Glu (NM_001127510.3, NM_001354895.2); c.4573A>G, p.Lys1525Glu (NM_001127511.3); c.4681A>G, p.Lys1561Glu (NM_001354896.2); c.4657A>G, p.Lys1553Glu (NM_001354897.2); c.4552A>G, p.Lys1518Glu (NM_001354898.2); c.4543A>G, p.Lys1515Glu (NM_001354899.2); c.4504A>G, p.Lys1502Glu (NM_001354900.2); c.4450A>G, p.Lys1484Glu (NM_001354901.2); and 5 more; short protein forms K1525E, K1543E, K1417E, K1484E, K1515E, K1452E, K1502E, K1561E.
Identifiers: ClinVar variation 231166 (VCV000231166.15), dbSNP rs876658995, ClinGen allele CA10578378.

ClinVar aggregate classification (germline): Conflicting classifications of pathogenicity. Review status: criteria provided, conflicting classifications (1 of 4 stars). 3 submissions from 3 submitters: Uncertain significance (2); Likely benign (1). Last evaluated 2025-11-24.

Conditions:
Hereditary cancer-predisposing syndrome. Also called: Neoplastic Syndromes, Hereditary; Tumor predisposition; Hereditary Cancer Syndrome; Hereditary neoplastic syndrome. Identifiers: Orphanet 140162, MedGen C0027672, MeSH D009386, MONDO:0015356.
Familial adenomatous polyposis 1 (FAP1). Also called: FAMILIAL ADENOMATOUS POLYPOSIS 1, ATTENUATED; POLYPOSIS, ADENOMATOUS INTESTINAL. Identifiers: MedGen C2713442, MONDO:0021056, OMIM 175100. Disease mechanism: loss of function.

Allele frequency attached by ClinVar (database versions not stated): gnomAD exomes below 0.00001.
gnomAD v4.1: 1 of 1,614,168 alleles (0.000062%); highest among the groups gnomAD compares: African/African-American, 0.0013%; no homozygotes.

Submissions (3):

Color Diagnostics, LLC DBA Color Health
Classification: Uncertain significance for Hereditary cancer-predisposing syndrome. Last evaluated: 2025-11-24. Review status: criteria provided, single submitter. Criteria: ACMG Guidelines, 2015. Collection method: clinical testing. Allele origin: germline.
Comment: This missense variant replaces lysine with glutamic acid at codon 1543 of the APC protein. Computational prediction suggests that this variant may not impact protein structure and function. APC is defined as a gene for which primarily truncating variants are known to cause disease (ClinGen HCCP VCEP). To our knowledge, functional studies have not been reported for this variant. This variant has not been reported in individuals affected with APC-related disorders in the literature. This variant has been identified in 1/1614168 chromosomes in the general population by the Genome Aggregation Database (gnomAD). The available evidence is insufficient to determine the role of this variant in disease conclusively. Therefore, this variant is classified as a Variant of Uncertain Significance.

Labcorp Genetics (formerly Invitae), Labcorp
Classification: Uncertain significance for Familial adenomatous polyposis 1. Last evaluated: 2024-12-23. Review status: criteria provided, single submitter. Criteria: Invitae Variant Classification Sherloc (09022015). Collection method: clinical testing. Allele origin: germline.
Comment: This sequence change replaces lysine, which is basic and polar, with glutamic acid, which is acidic and polar, at codon 1543 of the APC protein (p.Lys1543Glu). This variant is not present in population databases (gnomAD no frequency). This variant has not been reported in the literature in individuals affected with APC-related conditions. ClinVar contains an entry for this variant (Variation ID: 231166). Invitae Evidence Modeling of protein sequence and biophysical properties (such as structural, functional, and spatial information, amino acid conservation, physicochemical variation, residue mobility, and thermodynamic stability) indicates that this missense variant is not expected to disrupt APC protein function with a negative predictive value of 95%. In summary, the available evidence is currently insufficient to determine the role of this variant in disease. Therefore, it has been classified as a Variant of Uncertain Significance.

Ambry Genetics
Classification: Likely benign for Hereditary cancer-predisposing syndrome. Last evaluated: 2019-10-21. Review status: criteria provided, single submitter. Criteria: Ambry Variant Classification Scheme 2023. Collection method: clinical testing. Allele origin: germline.